The following is an entry in ClinVar:

NM_019098.5(CNGB3):c.892_896delinsT (p.Thr298fs)

Gene: CNGB3 (cyclic nucleotide gated channel subunit beta 3; minus strand). Cytogenetic location: 8q21.3.
Variant type: Indel.
Coding change: c.892_896delinsT on transcript NM_019098.5 (MANE Select); coding-DNA positions 892 to 896, ACAAA replaced by T.
Protein change: p.Thr298fs; shifts the reading frame from threonine 298.
Molecular consequence: frameshift variant.
Genome position (GRCh38, 1-based): chr8:86,654,019-86,654,023, TTTGT replaced by A on the plus strand (ACAAA replaced by T on the coding strand, the reverse complement: CNGB3 is on the minus strand). VCF-style: chr8-86654019-TTTGT-A. GRCh37 (hg19) VCF-style: chr8-87666247-TTTGT-A.
Other names: short protein forms T298fs.
Identifiers: ClinVar variation 5014066 (VCV005014066.1).
Genomic context (GRCh38, chr8:86,654,019, plus strand): 5'-AGTCAAAATGGTAATAGATCACGTGAGCAACTTTGAAATTGTTTGTCACCTACCTGAAAT[TTTGT>A]AGAAGTCCTGTAGTGTTTCCTTAGCTCATTTGAATCCACCTGAAAGATATTTGTATTTTC-3'

ClinVar aggregate classification (germline): Pathogenic (1 of 4 stars; one submission).

Conditions:
Achromatopsia 3 (ACHM3). Also called: ACHROMATOPSIA WITH MYOPIA; PINGELAPESE BLINDNESS; TOTAL COLORBLINDNESS WITH MYOPIA; ROD MONOCHROMACY 1; ROD MONOCHROMATISM 1. Identifiers: Orphanet 49382, MedGen C1849792, MONDO:0009875, OMIM 262300.

Submission:

Myriad Genetics, Inc.
Classification: Pathogenic for Achromatopsia 3. Last evaluated: 2025-02-06. Review status: criteria provided, single submitter. Criteria: Myriad Autosomal Dominant, Autosomal Recessive and X-Linked Classification Criteria (2023). Collection method: clinical testing. Allele origin: unknown.
Comment: NM_019098.4(CNGB3):c.892_896del5ins1(T298Yfs*9) is expected to be pathogenic in the context of achromatopsia, CNGB3-related. This variant is predicted to lead to an abnormal or absent protein product due to the creation of a premature termination codon in CNGB3, a gene where loss-of-function variants are known to be pathogenic. Please note: this variant was assessed in the context of healthy population screening.